The following is an entry in ClinVar:

ClinVar aggregate classification (germline): Pathogenic (1 of 4 stars; one submission).

Conditions:
Hyper-IgE recurrent infection syndrome 3, autosomal recessive. Also called: Autosomal recessive hyper-IgE syndrome due to ZNF341 deficiency; HYPER-IgE SYNDROME 3, AUTOSOMAL RECESSIVE, WITH RECURRENT INFECTIONS. Identifiers: Orphanet 641368, MedGen C4748969, MONDO:0032654, OMIM 618282.

Submission:

Labcorp Genetics (formerly Invitae), Labcorp
Classification: Pathogenic for Combined immunodeficiency due to DOCK8 deficiency. Last evaluated: 2022-10-03. Review status: criteria provided, single submitter. Criteria: Invitae Variant Classification Sherloc (09022015). Collection method: clinical testing. Allele origin: germline.
Comment: For these reasons, this variant has been classified as Pathogenic. This variant has not been reported in the literature in individuals affected with DOCK8-related conditions. This variant is a gross deletion of the genomic region encompassing exon(s) 2-25 of the DOCK8 gene. This deletion is out-of-frame, and is expected to create a premature termination codon and result in an absent or disrupted protein product. Loss-of-function variants in DOCK8 are known to be pathogenic (PMID: 14722525, 19776401).

Literature cited by the submitters: PubMed 14722525; PubMed 19776401.

NC_000009.11:g.(?_216117)_(399130_?)del

Gene: DOCK8 (dedicator of cytokinesis 8; plus strand). Cytogenetic location: 9p24.3.
Variant type: Deletion.
Identifiers: ClinVar variation 2427696 (VCV002427696.8).